The following is an entry in ClinVar:

ClinVar aggregate classification (germline): Uncertain significance. Review status: criteria provided, multiple submitters, no conflicts (2 of 4 stars). 2 submissions from 2 submitters: Uncertain significance (2). Last evaluated 2024-11-01.

Submissions (2):

Blueprint Genetics
Classification: Uncertain significance. Last evaluated: 2024-11-01. Review status: criteria provided, single submitter. Criteria: ACMG Guidelines, 2015. Collection method: clinical testing. Allele origin: germline.

Labcorp Genetics (formerly Invitae), Labcorp
Classification: Uncertain significance. Last evaluated: 2024-05-15. Review status: criteria provided, single submitter. Criteria: Invitae Variant Classification Sherloc (09022015). Collection method: clinical testing. Allele origin: germline.
Comment: This variant, c.976_978del, results in the deletion of 1 amino acid(s) of the PDE6B protein (p.Glu326del), but otherwise preserves the integrity of the reading frame. This variant is present in population databases (no rsID available, gnomAD 0.004%). This variant has not been reported in the literature in individuals affected with PDE6B-related conditions. Experimental studies and prediction algorithms are not available or were not evaluated, and the functional significance of this variant is currently unknown. In summary, the available evidence is currently insufficient to determine the role of this variant in disease. Therefore, it has been classified as a Variant of Uncertain Significance.

NM_000283.4(PDE6B):c.973GAG[1] (p.Glu326del)

Genes: PDE6B (phosphodiesterase 6B; plus strand), PDE6B-AS1 (PDE6B antisense RNA 1; minus strand). Cytogenetic location: 4p16.3.
Variant type: Microsatellite.
Coding change: c.973GAG[1] on transcript NM_000283.4 (MANE Select); one copy of the 3-base unit GAG starting at c.973; the reference has two copies in a row; one copy, 3 bases deleted.
Protein change: p.Glu326del; deletes glutamic acid 326.
Molecular consequence: inframe deletion. On other transcripts: 5 prime UTR variant (1).
Genome position (GRCh38, 1-based): chr4:654,872-654,874, GAG deleted; deleting any 3 consecutive bases within chr4:654,867-654,874 gives the same sequence; the position shown is the placement nearest the transcript's 3' end. VCF-style (leftmost placement, unchanged base first): chr4-654866-AAGG-A. GRCh37 (hg19) VCF-style: chr4-648655-AAGG-A.
Other names: c.973GAG[1], p.Glu326del (NM_001145291.2); c.136GAG[1], p.Glu47del (NM_001145292.2, NM_001350154.3, NM_001379246.1 and 1 more transcripts); c.-68GAG[1] (NM_001350155.3); short protein forms E326del, E47del.
Identifiers: ClinVar variation 1497044 (VCV001497044.7), dbSNP rs913866737, ClinGen allele CA91079141.